The following is an entry in ClinVar:

ClinVar aggregate classification (germline): Benign. Review status: criteria provided, multiple submitters, no conflicts (2 of 4 stars). 3 submissions from 3 submitters: Benign (2). 1 of the submissions does not count toward it. Last evaluated 2026-02-03.

Conditions:
PALLD-related disorder. Also called: PALLD-related condition.
Pancreatic adenocarcinoma. Identifiers: MedGen C0281361, MONDO:0006047, HP:0006725.

Submissions (3):

Labcorp Genetics (formerly Invitae), Labcorp
Classification: Benign for Pancreatic adenocarcinoma. Last evaluated: 2026-02-03. Review status: criteria provided, single submitter. Criteria: Invitae Variant Classification Sherloc (09022015). Collection method: clinical testing. Allele origin: germline.

Ambry Genetics
Classification: Benign. Last evaluated: 2024-10-29. Review status: criteria provided, single submitter. Criteria: Ambry Variant Classification Scheme 2023. Collection method: clinical testing. Allele origin: germline.

PreventionGenetics, part of Exact Sciences
Classification: Likely benign for PALLD-related condition. Last evaluated: 2020-03-06. Review status: no assertion criteria provided. Collection method: clinical testing. Allele origin: germline. Not counted in ClinVar's aggregate classification.
Comment: This variant is classified as likely benign based on ACMG/AMP sequence variant interpretation guidelines (Richards et al. 2015 PMID: 25741868, with internal and published modifications).

NM_001166108.2(PALLD):c.1965-12771CGCCCC[3]

Gene: PALLD (palladin, cytoskeletal associated protein; plus strand). Cytogenetic location: 4q32.3.
Variant type: Microsatellite.
Coding change: c.1965-12771CGCCCC[3] on transcript NM_001166108.2 (MANE Select); three copies in a row of the 6-base unit CGCCCC starting at c.1965-12771.
Molecular consequence: intron variant. On other transcripts: inframe insertion (1).
Genome position: GRCh38 VCF-style: chr4-168878150-T-TCGCCCC. GRCh37 (hg19) VCF-style: chr4-169799301-T-TCGCCCC.
Other names: c.270_275dup (NM_001166110.1); c.264CCCGCC[3], p.Pro93_Pro94dup (NM_001166110.2); c.1965-12771CGCCCC[3] (NM_016081.4); c.819-12771CGCCCC[3] (NM_001166109.2); c.-157-12771CGCCCC[3] (NM_001367570.1, NM_001367568.1, NM_001367567.1 and 1 more transcripts); c.270_275dup6 (NM_001166110.1).
Identifiers: ClinVar variation 220482 (VCV000220482.14), dbSNP rs730882137, ClinGen allele CA348362.